The following is an entry in ClinVar:

ClinVar aggregate classification (germline): Uncertain significance (1 of 4 stars; one submission).

Conditions:
Fanconi anemia (FA). Also called: Fanconi's anemia. Identifiers: Orphanet 84, MedGen C0015625, MeSH D005199, MONDO:0019391.

Submission:

Labcorp Genetics (formerly Invitae), Labcorp
Classification: Uncertain significance for Fanconi anemia. Last evaluated: 2024-01-09. Review status: criteria provided, single submitter. Criteria: Invitae Variant Classification Sherloc (09022015). Collection method: clinical testing. Allele origin: unknown.
Comment: A copy number gain of the genomic region encompassing the full coding sequence of the FANCB gene has been identified. The boundaries of this event are unknown as they extend beyond the assayed region for this gene and therefore may encompass additional genes. As the precise location of this event is unknown, it may be in tandem or it may be located elsewhere in the genome. This variant has not been reported in the literature in individuals affected with FANCB-related conditions. Experimental studies and prediction algorithms are not available or were not evaluated, and the functional significance of this variant is currently unknown. In summary, the available evidence is currently insufficient to determine the role of this variant in disease. Therefore, it has been classified as a Variant of Uncertain Significance.

NC_000023.10:g.(?_14861689)_(14883702_?)dup

Gene: FANCB (FA complementation group B; minus strand). Cytogenetic location: Xp22.2.
Variant type: Duplication.
Identifiers: ClinVar variation 3243682 (VCV003243682.1).